The following is an entry in ClinVar:

NM_003872.3(NRP2):c.433+9G>T

Gene: NRP2 (neuropilin 2; plus strand). Cytogenetic location: 2q33.3.
Variant type: single nucleotide variant.
Coding change: c.433+9G>T on transcript NM_003872.3 (MANE Select); 9 bases into the intron after coding-DNA position 433, G replaced by T.
Molecular consequence: intron variant.
Genome position (GRCh38, 1-based): chr2:205,716,383, G>T. VCF-style: chr2-205716383-G-T. GRCh37 (hg19) VCF-style: chr2-206581107-G-T.
Other names: c.433+9G>T (NM_201266.2, NM_201279.2, NM_018534.4 and 2 more transcripts).
Identifiers: ClinVar variation 3031558 (VCV003031558.2), dbSNP rs201391637, ClinGen allele CA2068805.

ClinVar aggregate classification (germline): Likely benign (0 of 4 stars; one submission).

Conditions:
NRP2-related disorder. Also called: NRP2-related condition.

Allele frequency attached by ClinVar (database versions not stated): gnomAD exomes 0.00001; ExAC 0.00004; ESP Exome Variant Server 0.00015; TOPMed 0.00021; gnomAD 0.00023; 1000 Genomes Project 30x 0.00031; 1000 Genomes Project 0.00040.
gnomAD v4.1: 57 of 1,613,524 alleles (0.0035%); highest among the groups gnomAD compares: African/African-American, 0.057%; no homozygotes.

Submission:

PreventionGenetics, part of Exact Sciences
Classification: Likely benign for NRP2-related condition. Last evaluated: 2023-08-01. Review status: no assertion criteria provided. Collection method: clinical testing. Allele origin: germline.
Comment: This variant is classified as likely benign based on ACMG/AMP sequence variant interpretation guidelines (Richards et al. 2015 PMID: 25741868, with internal and published modifications).